The following is an entry in ClinVar:

NM_001379291.1(BRD4):c.2872dup (p.Leu958fs)

Gene: BRD4 (bromodomain containing 4; minus strand). Cytogenetic location: 19p13.12.
Variant type: Duplication.
Coding change: c.2872dup on transcript NM_001379291.1 (MANE Select); coding-DNA position 2872, one base duplicated (C; older notation c.2872dupC).
Protein change: p.Leu958fs; shifts the reading frame from leucine 958.
Molecular consequence: frameshift variant.
Genome position (GRCh38, 1-based): chr19:15,243,197, G duplicated on the plus strand (C on the coding strand, the reverse complement: BRD4 is on the minus strand); the first of 7 consecutive G bases (chr19:15,243,197-15,243,203); duplicating any one gives the same sequence. VCF-style (leftmost placement, unchanged base first): chr19-15243196-A-AG. GRCh37 (hg19) VCF-style: chr19-15354007-A-AG.
Other names: c.2872dup, p.Leu958fs (NM_058243.3); short protein forms L958fs.
Identifiers: ClinVar variation 3771157 (VCV003771157.13).

ClinVar aggregate classification (germline): Likely pathogenic (1 of 4 stars; one submission).

Submission:

CeGaT Center for Human Genetics Tuebingen
Classification: Likely pathogenic. Last evaluated: 2024-12-01. Review status: criteria provided, single submitter. Criteria: CeGaT Center For Human Genetics Tuebingen Variant Classification Criteria Version 2. Collection method: clinical testing. Allele origin: germline. Affected: yes. Observed: 1 variant allele.
Comment: BRD4: PVS1